The following is an entry in ClinVar:

NM_000238.4(KCNH2):c.3193C>T (p.Gln1065Ter)

Gene: KCNH2 (potassium voltage-gated channel subfamily H member 2; minus strand). Cytogenetic location: 7q36.1.
Variant type: single nucleotide variant.
Coding change: c.3193C>T on transcript NM_000238.4 (MANE Select); coding-DNA position 3193, C replaced by T.
Protein change: p.Gln1065Ter; replaces glutamine 1065 with a stop codon.
Molecular consequence: nonsense.
Genome position (GRCh38, 1-based): chr7:150,947,014, G>A on the plus strand (C>T on the coding strand, the complement: KCNH2 is on the minus strand). VCF-style: chr7-150947014-G-A. GRCh37 (hg19) VCF-style: chr7-150644102-G-A.
Other names: c.2173C>T, p.Gln725Ter (NM_172057.3); short protein forms Q1065*, Q725*.
Identifiers: ClinVar variation 519524 (VCV000519524.13), dbSNP rs1554423871, ClinGen allele CA369852293.

ClinVar aggregate classification (germline): Pathogenic/Likely pathogenic. Review status: criteria provided, multiple submitters, no conflicts (2 of 4 stars). 3 submissions from 3 submitters: Pathogenic (2); Likely pathogenic (1). Last evaluated 2024-04-16.

Conditions:
Long QT syndrome 2 (LQT2). Identifiers: Orphanet 101016, Orphanet 768, MedGen C3150943, MONDO:0013367, OMIM 613688.
Short QT syndrome type 1. Identifiers: Orphanet 51083, MedGen C1865020, MONDO:0012312, OMIM 609620.
Long QT syndrome (LQTS). Identifiers: MedGen C0023976, MeSH D008133, MONDO:0002442. Disease mechanism: loss of function. Inheritance: Various modes of inheritance.
Cardiovascular phenotype. Identifiers: MedGen CN230736.

Submissions (3):

Fulgent Genetics
Classification: Likely pathogenic for Short QT syndrome type 1; Long QT syndrome 2. Last evaluated: 2024-04-16. Review status: criteria provided, single submitter. Criteria: ACMG Guidelines, 2015. Collection method: clinical testing. Allele origin: germline.

Labcorp Genetics (formerly Invitae), Labcorp
Classification: Pathogenic for Long QT syndrome. Last evaluated: 2020-12-30. Review status: criteria provided, single submitter. Criteria: Invitae Variant Classification Sherloc (09022015). Collection method: clinical testing. Allele origin: germline.
Comment: For these reasons, this variant has been classified as Pathogenic. Loss-of-function variants in KCNH2 are known to be pathogenic (PMID: 10973849, 19862833). This variant has not been reported in the literature in individuals with KCNH2-related conditions. ClinVar contains an entry for this variant (Variation ID: 519524). This variant is not present in population databases (ExAC no frequency). This sequence change creates a premature translational stop signal (p.Gln1065*) in the KCNH2 gene. It is expected to result in an absent or disrupted protein product.

Ambry Genetics
Classification: Pathogenic for Cardiovascular phenotype. Last evaluated: 2017-09-22. Review status: criteria provided, single submitter. Criteria: Ambry Variant Classification Scheme 2023. Collection method: clinical testing. Allele origin: germline.
Comment: The p.Q1065* pathogenic mutation (also known as c.3193C>T), located in coding exon 14 of the KCNH2 gene, results from a C to T substitution at nucleotide position 3193. This changes the amino acid from a glutamine to a stop codon within coding exon 14. This alteration is expected to result in loss of function by premature protein truncation or nonsense-mediated mRNA decay. As such, this alteration is interpreted as a disease-causing mutation.

Literature cited by the submitters: PubMed 10973849 (cited by Labcorp Genetics (formerly Invitae), Labcorp); PubMed 19862833 (cited by Labcorp Genetics (formerly Invitae), Labcorp).